The following is an entry in ClinVar:

ClinVar aggregate classification (germline): Conflicting classifications of pathogenicity. Review status: criteria provided, conflicting classifications (1 of 4 stars). 3 submissions from 3 submitters: Uncertain significance (2); Likely benign (1). Last evaluated 2026-01-25.

Conditions:
3-Oxo-5 alpha-steroid delta 4-dehydrogenase deficiency (PPSH). Also called: 46,XY disorder of sex development due to 5-alpha-reductase 2 deficiency; MALE PSEUDOHERMAPHRODITISM DUE TO 5-ALPHA-REDUCTASE DEFICIENCY; PSEUDOVAGINAL PERINEOSCROTAL HYPOSPADIAS; FAMILIAL INCOMPLETE MALE PSEUDOHERMAPHRODITISM, TYPE 2. Identifiers: Orphanet 753, MedGen C0268297, MONDO:0009923, OMIM 264600. Disease mechanism: loss of function.

Allele frequency attached by ClinVar (database versions not stated): gnomAD exomes 0.00009 and 0.00020; 1000 Genomes Project 30x 0.00047; ExAC 0.00057; 1000 Genomes Project 0.00060; gnomAD 0.00060 and 0.00063; ESP Exome Variant Server 0.00068; TOPMed 0.00071.
gnomAD v4.1: 220 of 1,590,454 alleles (0.014%); highest among the groups gnomAD compares: African/African-American, 0.2%; no homozygotes.

Submissions (3):

Labcorp Genetics (formerly Invitae), Labcorp
Classification: Likely benign for 3-Oxo-5 alpha-steroid delta 4-dehydrogenase deficiency. Last evaluated: 2026-01-25. Review status: criteria provided, single submitter. Criteria: Invitae Variant Classification Sherloc (09022015). Collection method: clinical testing. Allele origin: germline.

GeneDx
Classification: Uncertain significance. Last evaluated: 2024-01-29. Review status: criteria provided, single submitter. Criteria: GeneDx Variant Classification Process June 2021. Collection method: clinical testing. Allele origin: germline. Affected: yes.
Comment: Identified in an individual from a 5-alpha-reductase deficiency cohort, however, it is unknown if this was seen in the homozygous state or with a second SRD5A2 variant (PMID: 32380235); The majority of missense variants in this gene are considered pathogenic (HGMD); In silico analysis, which includes protein predictors and evolutionary conservation, supports a deleterious effect; This variant is associated with the following publications: (PMID: 21604088, 32380235, 33469028, 10718838)

Genetic Services Laboratory, University of Chicago
Classification: Uncertain significance. Last evaluated: 2016-07-14. Review status: criteria provided, single submitter. Criteria: ACMG Guidelines, 2015. Collection method: clinical testing. Allele origin: germline. Affected: no.

NM_000348.4(SRD5A2):c.734C>A (p.Ser245Tyr)

Gene: SRD5A2 (steroid 5 alpha-reductase 2; minus strand). Cytogenetic location: 2p23.1.
Variant type: single nucleotide variant.
Coding change: c.734C>A on transcript NM_000348.4 (MANE Select); coding-DNA position 734, C replaced by A.
Protein change: p.Ser245Tyr; replaces serine 245 with tyrosine.
Molecular consequence: missense variant.
Genome position (GRCh38, 1-based): chr2:31,526,227, G>T on the plus strand (C>A on the coding strand, the complement: SRD5A2 is on the minus strand). VCF-style: chr2-31526227-G-T. GRCh37 (hg19) VCF-style: chr2-31751297-G-T.
Other names: short protein forms S245Y.
Identifiers: ClinVar variation 436858 (VCV000436858.19), dbSNP rs145712014, ClinGen allele CA1599847.
Genomic context (GRCh38, chr2:31,526,227, plus strand): 5'-GAGCTCTGCTCCTTTTTAATTTGGTTCCTTTAAAAGATGAATGGAATAAGGGCTTTCCGA[G>T]ATTTGGGGTAGTCCTCAAACATCTTGAGGTAGAACCTAAAAGACAAGAAAGGAATAATTG-3'
Protein context (NP_000339.2, residues 235-254): YLKMFEDYPK[Ser245Tyr]RKALIPFIF